The following is an entry in ClinVar:

ClinVar aggregate classification (germline): Uncertain significance (1 of 4 stars; one submission).

Conditions:
COG1 congenital disorder of glycosylation (CDG2G). Also called: CONGENITAL DISORDER OF GLYCOSYLATION, TYPE IIg; CDG IIg; CDGII/COG1 CEREBROCOSTOMANDIBULAR-LIKE SYNDROME. Identifiers: Orphanet 263508, MedGen C2931011, MONDO:0012637, OMIM 611209.

Allele frequency attached by ClinVar (database versions not stated): gnomAD exomes below 0.00001.
gnomAD v4.1: 6 of 1,614,228 alleles (0.00037%); highest among the groups gnomAD compares: Admixed American, 0.0017%; no homozygotes.

Submission:

Labcorp Genetics (formerly Invitae), Labcorp
Classification: Uncertain significance for COG1 congenital disorder of glycosylation. Last evaluated: 2022-03-26. Review status: criteria provided, single submitter. Criteria: Invitae Variant Classification Sherloc (09022015). Collection method: clinical testing. Allele origin: germline.
Comment: In summary, the available evidence is currently insufficient to determine the role of this variant in disease. Therefore, it has been classified as a Variant of Uncertain Significance. Algorithms developed to predict the effect of missense changes on protein structure and function output the following: SIFT: "Tolerated"; PolyPhen-2: "Benign"; Align-GVGD: "Class C0". The aspartic acid amino acid residue is found in multiple mammalian species, which suggests that this missense change does not adversely affect protein function. This variant has not been reported in the literature in individuals affected with COG1-related conditions. This variant is present in population databases (no rsID available, gnomAD 0.003%). This sequence change replaces glutamic acid, which is acidic and polar, with aspartic acid, which is acidic and polar, at codon 669 of the COG1 protein (p.Glu669Asp).

NM_018714.3(COG1):c.2007G>C (p.Glu669Asp)

Gene: COG1 (component of oligomeric golgi complex 1; plus strand). Cytogenetic location: 17q25.1.
Variant type: single nucleotide variant.
Coding change: c.2007G>C on transcript NM_018714.3 (MANE Select); coding-DNA position 2007, G replaced by C.
Protein change: p.Glu669Asp; replaces glutamic acid 669 with aspartic acid.
Molecular consequence: missense variant.
Genome position (GRCh38, 1-based): chr17:73,201,834, G>C. VCF-style: chr17-73201834-G-C. GRCh37 (hg19) VCF-style: chr17-71197973-G-C.
Other names: short protein forms E669D.
Identifiers: ClinVar variation 1951072 (VCV001951072.4), dbSNP rs1424672905, ClinGen allele CA400893870.
Genomic context (GRCh38, chr17:73,201,834, plus strand): 5'-GAGAAAACAGGGAAAGGTGAAAACTCAGGAAATCATTCCTACACAGGCCAAGTGGCAAGA[G>C]GTTAAAGAAGTACTCCTCCAGCAGAGCGTGATGGGCTACCAGGTCTGGAGCAGTGCAGTT-3'
Protein context (NP_061184.1, residues 659-679): EIIPTQAKWQ[Glu669Asp]VKEVLLQQSV